The following is an entry in ClinVar:

ClinVar aggregate classification (germline): Uncertain significance. Review status: criteria provided, multiple submitters, no conflicts (2 of 4 stars). 3 submissions from 3 submitters: Uncertain significance (3). Last evaluated 2026-02-09.

Conditions:
TTN-related disorder. Also called: TTN-related condition; TTN-related disease; TTN-related disorders.

Allele frequency attached by ClinVar (database versions not stated): gnomAD exomes 0.00001 and 0.00007; gnomAD 0.00002; TOPMed 0.00002.
gnomAD v4.1: 95 of 1,613,038 alleles (0.0059%); highest among the groups gnomAD compares: Non-Finnish European, 0.008%; no homozygotes.

Submissions (3):

GeneDx
Classification: Uncertain significance. Last evaluated: 2026-02-09. Review status: criteria provided, single submitter. Criteria: GeneDx Variant Classification Process June 2021. Collection method: clinical testing. Allele origin: germline. Affected: yes.
Comment: Not observed at significant frequency in large population cohorts (gnomAD); Missense variant in a gene in which most reported pathogenic variants are truncating/loss of function; Identified in a cohort of patients with inherited arrhythmias in published literature (PMID: 35207729); This variant is associated with the following publications: (PMID: 35207729)

PreventionGenetics, part of Exact Sciences
Classification: Uncertain significance for TTN-related condition. Last evaluated: 2025-09-04. Review status: criteria provided, single submitter. Criteria: ACMG Guidelines, 2015. Collection method: clinical testing. Allele origin: germline.
Comment: The TTN c.15430G>A variant is predicted to result in the amino acid substitution p.Glu5144Lys. To our knowledge, this variant has not been reported in the literature. This variant is reported in 0.0027% of alleles in individuals of European (Non-Finnish) descent in gnomAD. At this time, the clinical significance of this variant is uncertain due to the absence of conclusive functional and genetic evidence.

Eurofins Ntd Llc (ga)
Classification: Uncertain significance. Last evaluated: 2015-09-01. Review status: criteria provided, single submitter. Criteria: EGL Classification Definitions 2015. Collection method: clinical testing. Allele origin: germline. Observed: 1 variant allele, 1 heterozygote.

NM_001267550.2(TTN):c.15430G>A (p.Glu5144Lys)

Gene: TTN (titin; minus strand). Cytogenetic location: 2q31.2.
Variant type: single nucleotide variant.
Coding change: c.15430G>A on transcript NM_001267550.2 (MANE Select); coding-DNA position 15430, G replaced by A.
Protein change: p.Glu5144Lys; replaces glutamic acid 5144 with lysine.
Molecular consequence: missense variant. On other transcripts: intron variant (3).
Genome position (GRCh38, 1-based): chr2:178,734,394, C>T on the plus strand (G>A on the coding strand, the complement: TTN is on the minus strand). VCF-style: chr2-178734394-C-T. GRCh37 (hg19) VCF-style: chr2-179599121-C-T.
Other names: c.14479G>A, p.Glu4827Lys (NM_001256850.1); c.11698G>A, p.Glu3900Lys (NM_133378.4); c.13282+3688G>A (NM_003319.4); c.13858+3688G>A (NM_133437.4); c.13657+3688G>A (NM_133432.3); c.15430G>A (NM_001267550.1); short protein forms E5144K, E3900K, E4827K.
Identifiers: ClinVar variation 282886 (VCV000282886.7), dbSNP rs766612317, ClinGen allele CA10604335.